The following is an entry in ClinVar:

NM_020435.4(GJC2):c.388C>G (p.Pro130Ala)

Gene: GJC2 (gap junction protein gamma 2; plus strand). Cytogenetic location: 1q42.13.
Variant type: single nucleotide variant.
Coding change: c.388C>G on transcript NM_020435.4 (MANE Select); coding-DNA position 388, C replaced by G.
Protein change: p.Pro130Ala; replaces proline 130 with alanine.
Molecular consequence: missense variant.
Genome position (GRCh38, 1-based): chr1:228,158,146, C>G. VCF-style: chr1-228158146-C-G. GRCh37 (hg19) VCF-style: chr1-228345847-C-G.
Other names: short protein forms P130A.
Identifiers: ClinVar variation 1305130 (VCV001305130.3), dbSNP rs1446939686, ClinGen allele CA345097650.

ClinVar aggregate classification (germline): Uncertain significance. Review status: criteria provided, multiple submitters, no conflicts (2 of 4 stars). 2 submissions from 2 submitters: Uncertain significance (2). Last evaluated 2024-08-01.

Conditions:
Inborn genetic diseases. Identifiers: MedGen C0950123, MeSH D030342.

Allele frequency attached by ClinVar (database versions not stated): gnomAD 0.00003 and 0.00005.
gnomAD v4.1: 34 of 1,314,198 alleles (0.0026%); highest among the groups gnomAD compares: Admixed American, 0.0083%; no homozygotes.

Submissions (2):

Ambry Genetics
Classification: Uncertain significance for Inborn genetic diseases. Last evaluated: 2024-08-01. Review status: criteria provided, single submitter. Criteria: Ambry Variant Classification Scheme 2023. Collection method: clinical testing. Allele origin: germline.

GeneDx
Classification: Uncertain significance. Last evaluated: 2019-04-29. Review status: criteria provided, single submitter. Criteria: GeneDx Variant Classification Process June 2021. Collection method: clinical testing. Allele origin: germline. Affected: yes.
Comment: Not observed in large population cohorts (Lek et al., 2016); In silico analysis, which includes protein predictors and evolutionary conservation, supports that this variant does not alter protein structure/function; Has not been previously published as pathogenic or benign to our knowledge